The following is an entry in ClinVar:

ClinVar aggregate classification (germline): Benign/Likely benign. Review status: criteria provided, multiple submitters, no conflicts (2 of 4 stars). 4 submissions from 4 submitters: Benign (3); Likely benign (1). Last evaluated 2026-01-11.

Conditions:
SIX5-related disorder. Also called: SIX5-related condition.

Allele frequency attached by ClinVar (database versions not stated): TOPMed 0.00072; 1000 Genomes Project 0.00100; 1000 Genomes Project 30x 0.00109.

Submissions (4):

Labcorp Genetics (formerly Invitae), Labcorp
Classification: Benign. Last evaluated: 2026-01-11. Review status: criteria provided, single submitter. Criteria: Invitae Variant Classification Sherloc (09022015). Collection method: clinical testing. Allele origin: germline.

PreventionGenetics, part of Exact Sciences
Classification: Benign for SIX5-related condition. Last evaluated: 2024-11-18. Review status: criteria provided, single submitter. Criteria: ACMG Guidelines, 2015. Collection method: clinical testing. Allele origin: germline.
Comment: This variant is classified as benign based on ACMG/AMP sequence variant interpretation guidelines (Richards et al. 2015 PMID: 25741868, with internal and published modifications).

Blueprint Genetics
Classification: Likely benign. Last evaluated: 2024-10-03. Review status: criteria provided, single submitter. Criteria: ACMG Guidelines, 2015. Collection method: clinical testing. Allele origin: germline.

GeneDx
Classification: Benign. Last evaluated: 2021-07-28. Review status: criteria provided, single submitter. Criteria: GeneDx Variant Classification Process June 2021. Collection method: clinical testing. Allele origin: germline. Affected: yes.

NM_175875.5(SIX5):c.1536C>T (p.Gly512=)

Gene: SIX5 (SIX homeobox 5; minus strand). Cytogenetic location: 19q13.32.
Variant type: single nucleotide variant.
Coding change: c.1536C>T on transcript NM_175875.5 (MANE Select); coding-DNA position 1536, C replaced by T.
Protein change: p.Gly512=; no amino-acid change (glycine 512 retained).
Molecular consequence: synonymous variant.
Genome position (GRCh38, 1-based): chr19:45,766,423, G>A on the plus strand (C>T on the coding strand, the complement: SIX5 is on the minus strand). VCF-style: chr19-45766423-G-A. GRCh37 (hg19) VCF-style: chr19-46269681-G-A.
Identifiers: ClinVar variation 725997 (VCV000725997.13), dbSNP rs199763441, ClinGen allele CA9520610.